The following continues an entry in ClinVar:

NM_032043.3(BRIP1):c.1871C>A (p.Ser624Ter)

Gene: BRIP1. ClinVar aggregate classification (germline): Pathogenic/Likely pathogenic. Pathogenic (18); Likely pathogenic (1).

Submissions 11 to 21 of 21:

Baylor Genetics
Classification: Pathogenic for Familial cancer of breast. Last evaluated: 2024-03-14. Review status: criteria provided, single submitter. Criteria: ACMG Guidelines, 2015. Collection method: clinical testing. Allele origin: unknown.

Greenwood Genetic Center Diagnostic Laboratories, Greenwood Genetic Center
Classification: Pathogenic for Breast cancer. Last evaluated: 2023-08-28. Review status: criteria provided, single submitter. Criteria: ACMG Guidelines, 2015. Collection method: clinical testing. Allele origin: germline.
Comment: PVS1, PS4

Myriad Genetics, Inc.
Classification: Pathogenic for Familial cancer of breast. Last evaluated: 2023-03-01. Review status: criteria provided, single submitter. Criteria: Myriad Autosomal Dominant, Autosomal Recessive and X-Linked Classification Criteria (2023). Collection method: clinical testing. Allele origin: unknown.
Comment: This variant is considered pathogenic. This variant creates a termination codon and is predicted to result in premature protein truncation.

Women's Health and Genetics/Laboratory Corporation of America, LabCorp
Classification: Pathogenic for Hereditary breast ovarian cancer syndrome. Last evaluated: 2022-08-15. Review status: criteria provided, single submitter. Criteria: LabCorp Variant Classification Summary - May 2015. Collection method: clinical testing. Allele origin: germline.
Comment: Variant summary: BRIP1 c.1871C>A (p.Ser624X) results in a premature termination codon, predicted to cause a truncation of the encoded protein or absence of the protein due to nonsense mediated decay, which are commonly known mechanisms for disease. Truncations downstream of this position have been classified as pathogenic by our laboratory. The variant allele was found at a frequency of 2e-05 in 255438 control chromosomes. The variant, c.1871C>A, has been reported in the literature in multiple individuals affected with breast- and/or ovarian cancer (eg. Kanchi_2014, LaDuca_2014, Ramus_2015, Thompson_2016, Huang_2018, etc). These data indicate that the variant is very likely to be associated with disease. To our knowledge, no experimental evidence demonstrating an impact on protein function has been reported. Eight clinical diagnostic laboratories have submitted clinical-significance assessments for this variant to ClinVar after 2014 without evidence for independent evaluation. All laboratories classified the variant as pathogenic. Based on the evidence outlined above, the variant was classified as pathogenic.

Quest Diagnostics Nichols Institute San Juan Capistrano
Classification: Pathogenic. Last evaluated: 2022-03-04. Review status: criteria provided, single submitter. Criteria: Quest Diagnostics criteria. Collection method: clinical testing. Allele origin: unknown.
Comment: This nonsense variant causes the premature termination of BRIP1 protein synthesis. The frequency of this variant in the general population, 0.000046 (6/129134 chromosomes), is consistent with pathogenicity. In the published literature, the variant has been reported in individuals with ovarian cancer (PMIDs: 30322717 (2018), 26720728 (2016), 26315354 (2015), 24448499 (2014)), breast cancer (PMIDs: 32427313 (2020), 26921362 (2016), 26786923 (2016)), endometrial cancer (PMID: 30612635 (2019)), and renal cell carcinoma (PMID: 32830346 (2021)). Based on the available information, this variant is classified as pathogenic.

Revvity Omics, Revvity
Classification: Pathogenic for Fanconi anemia complementation group J. Last evaluated: 2021-12-17. Review status: criteria provided, single submitter. Criteria: ACMG Guidelines, 2015. Collection method: clinical testing. Allele origin: germline.

Sema4
Classification: Pathogenic for Hereditary cancer-predisposing syndrome. Last evaluated: 2021-12-08. Review status: criteria provided, single submitter. Criteria: Sema4 Curation Guidelines. Collection method: curation. Allele origin: germline.
Comment: The BRIP1 c.1871C>A (p.S624X) variant has been reported in heterozygosity in numerous individuals with breast or ovarian cancer (PMID: 33471991, 26689913, 26720728, 30322717, 29625052, 32427313, 26921362, 26315354, 26786923). A recent meta-analysis found this variant was significantly associated with ovarian cancer, with an odds ratio of 5.96 (95% CI: 1.73-20.60, p=0.0048). This nonsense variant creates a premature stop codon at residue 624 of the BRIP1 protein. Loss of function variants in BRIP1 are known to be pathogenic (PMID: 21964575). This variant was observed in 6/129134 chromosomes in the Non-Finnish European population according to the Genome Aggregation Database (PMID: 32461654). This variant has been reported in ClinVar (Variation ID: 140852). Based on the current evidence available, this variant is interpreted as pathogenic.

Department of Pathology and Laboratory Medicine, Sinai Health System
Classification: Pathogenic for Hereditary breast ovarian cancer syndrome. Last evaluated: 2020-11-20. Review status: criteria provided, single submitter. Criteria: ACMG Guidelines, 2015. Collection method: clinical testing. Allele origin: germline. Affected: yes.

Rady Children's Institute for Genomic Medicine, Rady Children's Hospital San Diego
Classification: Pathogenic for BRIP1-associated familial cancer predisposition. Review status: criteria provided, single submitter. Criteria: ACMG Guidelines, 2015. Collection method: clinical testing. Allele origin: germline. Affected: yes.
Comment: This nonsense variant found in exon 13 of 20 is predicted to result in loss of normal protein function through either protein truncation or nonsense-mediated mRNA decay (NMD). The c.1871C>A (p.Ser624Ter) variant has been previously reported as a heterozygous change in multiple unrelated individuals with ovarian cancer (PMID: 26315354, 26720728, 24763289, 30322717, 29625052), breast cancer (PMID: 26921362), and endometrial cancer (PMID: 30612635). It is present in the heterozygous state in the gnomAD population database at a frequency of 0.002% (7/282740) and thus is presumed to be rare. Based on the available evidence, the c.1871C>A (p.Ser624Ter) variant is classified as Pathogenic.

Genetic Services Laboratory, University of Chicago
Classification: Pathogenic. Last evaluated: 2022-03-16. Review status: no assertion criteria provided. Collection method: clinical testing. Allele origin: germline. Affected: yes. Not counted in ClinVar's aggregate classification.
Comment: DNA sequence analysis of the BRIP1 gene demonstrated a sequence change, c.1871C>A, which results in the creation of a premature stop codon at amino acid position 624, p.Ser624*. This sequence change is predicted to result in an abnormal transcript, which may be degraded, or may lead to the production of a truncated BRIP1 protein with potentially abnormal function. This sequence change has been described in the gnomAD database with a frequency of 0.0046% in the non-Finnish European subpopulation (dbSNP rs587781321). This sequence change has previously been described in multiple individuals with ovarian cancer and breast cancer (PMID: 30322717, 32359370, 26720728, 26786923, 26921362, 29625052, 26315354). Loss of function variants are known to be pathogenic in BRIP1 and occur both upstream and downstream of the p.Ser624* variant. Based on these evidences, this sequence change is classified as pathogenic.

Counsyl
Classification: Pathogenic for Fanconi anemia complementation group J; Ovarian cancer. Last evaluated: 2017-04-05. Review status: no assertion criteria provided. Collection method: clinical testing. Allele origin: unknown. Not counted in ClinVar's aggregate classification.

Literature cited by the submitters: PubMed 16116423 (cited by Labcorp Genetics (formerly Invitae), Labcorp); PubMed 17033622 (cited by Labcorp Genetics (formerly Invitae), Labcorp); PubMed 21964575 (cited by Labcorp Genetics (formerly Invitae), Labcorp and Sema4); PubMed 26315354 (cited by 8 submitters); PubMed 26720728 (cited by 7 submitters); PubMed 26921362 (cited by 6 submitters); PubMed 24448499 (cited by 4 submitters); PubMed 24763289 (cited by 5 submitters); PubMed 26786923 (cited by 8 submitters); PubMed 27153395 (cited by Mayo Clinic Laboratories, Mayo Clinic); PubMed 28888541 (cited by Mayo Clinic Laboratories, Mayo Clinic); PubMed 29625052 (cited by 4 submitters); PubMed 30322717 (cited by 4 submitters); PubMed 31341520 (cited by Mayo Clinic Laboratories, Mayo Clinic); PubMed 32359370 (cited by Mayo Clinic Laboratories, Mayo Clinic); PubMed 32427313 (cited by 3 submitters); PubMed 38912178 (cited by Mayo Clinic Laboratories, Mayo Clinic); PubMed 26689913 (cited by 4 submitters); PubMed 30612635 (cited by Quest Diagnostics Nichols Institute San Juan Capistrano); PubMed 32830346 (cited by Quest Diagnostics Nichols Institute San Juan Capistrano); PubMed 33471991 (cited by Sema4).